The following is an entry in ClinVar:

NM_001006658.3(CR2):c.242A>G (p.Lys81Arg)

Gene: CR2 (complement C3d receptor 2; plus strand). Cytogenetic location: 1q32.2.
Variant type: single nucleotide variant.
Coding change: c.242A>G on transcript NM_001006658.3 (MANE Select); coding-DNA position 242, A replaced by G.
Protein change: p.Lys81Arg; replaces lysine 81 with arginine.
Molecular consequence: missense variant.
Genome position (GRCh38, 1-based): chr1:207,466,709, A>G. VCF-style: chr1-207466709-A-G. GRCh37 (hg19) VCF-style: chr1-207640054-A-G.
Other names: c.242A>G, p.Lys81Arg (NM_001877.5); short protein forms K81R.
Identifiers: ClinVar variation 1025507 (VCV001025507.4), dbSNP rs147860820, ClinGen allele CA1368389.
Genomic context (GRCh38, chr1:207,466,709, plus strand): 5'-AAAGTCTATTATGCATAACTAAAGACAAAGTGGATGGAACCTGGGATAAACCTGCTCCTA[A>G]ATGTGAATATTTCAATAAATATTCTTCTTGCCCTGAGCCCATAGTACCAGGAGGATACAA-3'
Protein context (NP_001006659.1, residues 71-91): VDGTWDKPAP[Lys81Arg]CEYFNKYSSC

ClinVar aggregate classification (germline): Uncertain significance (1 of 4 stars; one submission).

Conditions:
Immunodeficiency, common variable, 7. Identifiers: Orphanet 1572, Orphanet 696894, MedGen C3542922, MONDO:0013862, OMIM 614699.

Allele frequency attached by ClinVar (database versions not stated): gnomAD exomes 0.00001; ExAC 0.00002; ESP Exome Variant Server 0.00015; gnomAD 0.00001; TOPMed 0.00001.
gnomAD v4.1: 15 of 1,614,006 alleles (0.00093%); highest among the groups gnomAD compares: Non-Finnish European, 0.0012%; no homozygotes.

Submission:

Labcorp Genetics (formerly Invitae), Labcorp
Classification: Uncertain significance for Immunodeficiency, common variable, 7. Last evaluated: 2022-06-27. Review status: criteria provided, single submitter. Criteria: Invitae Variant Classification Sherloc (09022015). Collection method: clinical testing. Allele origin: germline.
Comment: This sequence change replaces lysine, which is basic and polar, with arginine, which is basic and polar, at codon 81 of the CR2 protein (p.Lys81Arg). In summary, the available evidence is currently insufficient to determine the role of this variant in disease. Therefore, it has been classified as a Variant of Uncertain Significance. Algorithms developed to predict the effect of sequence changes on RNA splicing suggest that this variant may create or strengthen a splice site. Algorithms developed to predict the effect of missense changes on protein structure and function output the following: SIFT: "Tolerated"; PolyPhen-2: "Benign"; Align-GVGD: "Class C0". The arginine amino acid residue is found in multiple mammalian species, which suggests that this missense change does not adversely affect protein function. ClinVar contains an entry for this variant (Variation ID: 1025507). This variant has not been reported in the literature in individuals affected with CR2-related conditions. This variant is present in population databases (rs147860820, gnomAD 0.003%).